The following is an entry in ClinVar:

NM_006033.4(LIPG):c.584C>T (p.Ala195Val)

Gene: LIPG (lipase G, endothelial type; plus strand). Cytogenetic location: 18q21.1.
Variant type: single nucleotide variant.
Coding change: c.584C>T on transcript NM_006033.4 (MANE Select); coding-DNA position 584, C replaced by T.
Protein change: p.Ala195Val; replaces alanine 195 with valine.
Molecular consequence: missense variant. On other transcripts: intron variant (1).
Genome position (GRCh38, 1-based): chr18:49,575,381, C>T. VCF-style: chr18-49575381-C-T. GRCh37 (hg19) VCF-style: chr18-47101751-C-T.
Other names: c.571+5833C>T (NM_001308006.2); short protein forms A195V.
Identifiers: ClinVar variation 4805222 (VCV004805222.1).

ClinVar aggregate classification (germline): Uncertain significance (1 of 4 stars; one submission).

Submission:

Labcorp Genetics (formerly Invitae), Labcorp
Classification: Uncertain significance. Last evaluated: 2025-11-05. Review status: criteria provided, single submitter. Criteria: Invitae Variant Classification Sherloc (09022015). Collection method: clinical testing. Allele origin: germline.
Comment: This sequence change replaces alanine, which is neutral and non-polar, with valine, which is neutral and non-polar, at codon 195 of the LIPG protein (p.Ala195Val). This variant is not present in population databases (gnomAD no frequency). This missense change has been observed in individual(s) with LIPG-related conditions (PMID: 12601178, 16023652, 17016617, 17526978). An algorithm developed to predict the effect of missense changes on protein structure and function (PolyPhen-2) suggests that this variant is likely to be disruptive. In summary, the available evidence is currently insufficient to determine the role of this variant in disease. Therefore, it has been classified as a Variant of Uncertain Significance.

Literature cited by the submitters: PubMed 12601178; PubMed 16023652; PubMed 17016617; PubMed 17526978.